The following is an entry in ClinVar:

ClinVar aggregate classification (germline): Conflicting classifications of pathogenicity. Review status: criteria provided, conflicting classifications (1 of 4 stars). 17 submissions from 13 submitters: Uncertain significance (3); Benign (3); Likely benign (7). 4 of the submissions do not count toward it. Last evaluated 2026-01-22.

Conditions:
TTN-related disorder. Also called: TTN-related condition; TTN-related disease; TTN-related disorders.
Cardiovascular phenotype. Identifiers: MedGen CN230736.
Autosomal recessive limb-girdle muscular dystrophy type 2J (LGMDR10). Also called: Limb-girdle muscular dystrophy, type 2J; MUSCULAR DYSTROPHY, LIMB-GIRDLE, AUTOSOMAL RECESSIVE 10. Identifiers: Orphanet 140922, MedGen C1837342, MONDO:0012127, OMIM 608807.
Dilated cardiomyopathy 1G (CMD1G). Identifiers: Orphanet 154, MedGen C1858763, MONDO:0011400, OMIM 604145.
Cardiomyopathy (CMYO). Also called: Cardiomyopathies. Identifiers: Orphanet 167848, MedGen C0878544, MONDO:0004994, HP:0001638. Inheritance: Various modes of inheritance.
Early-onset myopathy with fatal cardiomyopathy (CMYO5). Also called: Salih Myopathy; CONGENITAL MYOPATHY 5 WITH CARDIOMYOPATHY. Identifiers: Orphanet 289377, MedGen C2673677, MONDO:0012714, OMIM 611705. Disease mechanism: loss of function.
Myopathy, myofibrillar, 9, with early respiratory failure (MFM9). Also called: Hereditary myopathy with early respiratory failure; EDSTROM MYOPATHY; MYOPATHY, PROXIMAL, WITH EARLY RESPIRATORY MUSCLE INVOLVEMENT; Myopathy, distal, with early respiratory failure, autosomal dominant. Identifiers: Orphanet 178464, Orphanet 34521, MedGen C1863599, MONDO:0011362, OMIM 603689.
Tibial muscular dystrophy (TMD). Also called: Tibial muscular dystrophy, tardive; UDD MYOPATHY; Udd Distal Myopathy – Tibial Muscular Dystrophy. Identifiers: Orphanet 609, MedGen C1838244, MONDO:0010870, OMIM 600334.

Allele frequency attached by ClinVar (database versions not stated): ESP Exome Variant Server 0.00017; ExAC 0.00008; gnomAD 0.00009; gnomAD exomes 0.00011 and 0.00012; TOPMed 0.00011.
gnomAD v4.1: 168 of 1,613,206 alleles (0.01%); highest among the groups gnomAD compares: Non-Finnish European, 0.014%; 1 homozygote.

Submissions (17):

Labcorp Genetics (formerly Invitae), Labcorp
Classification: Likely benign for Dilated cardiomyopathy 1G; Autosomal recessive limb-girdle muscular dystrophy type 2J. Last evaluated: 2026-01-22. Review status: criteria provided, single submitter. Criteria: Invitae Variant Classification Sherloc (09022015). Collection method: clinical testing. Allele origin: germline.

PreventionGenetics, part of Exact Sciences
Classification: Likely benign for TTN-related condition. Last evaluated: 2025-05-22. Review status: criteria provided, single submitter. Criteria: ACMG Guidelines, 2015. Collection method: clinical testing. Allele origin: germline.
Comment: This variant is classified as likely benign based on ACMG/AMP sequence variant interpretation guidelines (Richards et al. 2015 PMID: 25741868, with internal and published modifications).

Molecular Diagnostic Laboratory for Inherited Cardiovascular Disease, Montreal Heart Institute
Classification: Benign. Last evaluated: 2025-04-09. Review status: criteria provided, single submitter. Criteria: ACMG Guidelines, 2015. Collection method: clinical testing. Allele origin: germline. Affected: no.

Blueprint Genetics
Classification: Likely benign. Last evaluated: 2024-08-16. Review status: criteria provided, single submitter. Criteria: ACMG Guidelines, 2015. Collection method: clinical testing. Allele origin: germline.

Illumina Laboratory Services, Illumina
Classification: Uncertain significance for Dilated cardiomyopathy 1G. Last evaluated: 2018-01-13. Review status: criteria provided, single submitter. Criteria: ICSL Variant Classification Criteria 13 December 2019. Collection method: clinical testing. Allele origin: germline.

Illumina Laboratory Services, Illumina
Classification: Benign for Tibial muscular dystrophy. Last evaluated: 2018-01-13. Review status: criteria provided, single submitter. Criteria: ICSL Variant Classification Criteria 13 December 2019. Collection method: clinical testing. Allele origin: germline.
Comment: This variant was observed in the ICSL laboratory as part of a predisposition screen in an ostensibly healthy population. It had not been previously curated by ICSL or reported in the Human Gene Mutation Database (HGMD: prior to June 1st, 2018), and was therefore a candidate for classification through an automated scoring system. Utilizing variant allele frequency, disease prevalence and penetrance estimates, and inheritance mode, an automated score was calculated to assess if this variant is too frequent to cause the disease. Based on the score and internal cut-off values, a variant classified as benign is not then subjected to further curation. The score for this variant resulted in a classification of benign for this disease.

Illumina Laboratory Services, Illumina
Classification: Uncertain significance for Autosomal recessive limb-girdle muscular dystrophy type 2J. Last evaluated: 2018-01-13. Review status: criteria provided, single submitter. Criteria: ICSL Variant Classification Criteria 13 December 2019. Collection method: clinical testing. Allele origin: germline.

Illumina Laboratory Services, Illumina
Classification: Likely benign for Myopathy, myofibrillar, 9, with early respiratory failure. Last evaluated: 2018-01-13. Review status: criteria provided, single submitter. Criteria: ICSL Variant Classification Criteria 13 December 2019. Collection method: clinical testing. Allele origin: germline.
Comment: This variant was observed in the ICSL laboratory as part of a predisposition screen in an ostensibly healthy population. It had not been previously curated by ICSL or reported in the Human Gene Mutation Database (HGMD: prior to June 1st, 2018), and was therefore a candidate for classification through an automated scoring system. Utilizing variant allele frequency, disease prevalence and penetrance estimates, and inheritance mode, an automated score was calculated to assess if this variant is too frequent to cause the disease. Based on the score and internal cut-off values, a variant classified as likely benign is not then subjected to further curation. The score for this variant resulted in a classification of likely benign for this disease.

Illumina Laboratory Services, Illumina
Classification: Uncertain significance for Early-onset myopathy with fatal cardiomyopathy. Last evaluated: 2018-01-13. Review status: criteria provided, single submitter. Criteria: ICSL Variant Classification Criteria 13 December 2019. Collection method: clinical testing. Allele origin: germline.

Ambry Genetics
Classification: Likely benign for Cardiovascular phenotype. Last evaluated: 2017-03-21. Review status: criteria provided, single submitter. Criteria: Ambry Variant Classification Scheme 2023. Collection method: clinical testing. Allele origin: germline.

CHEO Genetics Diagnostic Laboratory, Children's Hospital of Eastern Ontario
Classification: Likely benign for Cardiomyopathy. Last evaluated: 2016-04-26. Review status: criteria provided, single submitter. Criteria: ACMG Guidelines, 2015. Collection method: clinical testing. Allele origin: germline. Study: Canadian Open Genetics Repository.

GeneDx
Classification: Benign. Last evaluated: 2015-06-27. Review status: criteria provided, single submitter. Criteria: GeneDx Variant Classification (06012015). Collection method: clinical testing. Allele origin: germline. Affected: yes.
Comment: This variant is considered likely benign or benign based on one or more of the following criteria: it is a conservative change, it occurs at a poorly conserved position in the protein, it is predicted to be benign by multiple in silico algorithms, and/or has population frequency not consistent with disease.

Laboratory for Molecular Medicine, Mass General Brigham Personalized Medicine
Classification: Likely benign. Last evaluated: 2012-03-19. Review status: criteria provided, single submitter. Criteria: LMM Criteria. Collection method: clinical testing. Allele origin: germline. Observed: 2 variant alleles.
Comment: p.Tyr11409Tyr in Exon 177 of TTN: This variant is not expected to have clinical significance because it does not alter an amino acid residue, is not located wit hin the splice consensus sequence. It has been identified in 1/6628 European Ame rican chromosomes from a broad population by the NHLBI Exome Sequencing Project.

Clinical Genetics DNA and cytogenetics Diagnostics Lab, Erasmus MC, Erasmus Medical Center
Classification: Likely benign. Review status: no assertion criteria provided. Collection method: clinical testing. Allele origin: germline. Affected: yes. Study: VKGL Data-share Consensus. Not counted in ClinVar's aggregate classification.

Clinical Genetics, Academic Medical Center
Classification: Benign. Review status: no assertion criteria provided. Collection method: clinical testing. Allele origin: germline. Affected: yes. Study: VKGL Data-share Consensus. Not counted in ClinVar's aggregate classification.

Diagnostic Laboratory, Department of Genetics, University Medical Center Groningen
Classification: Likely benign. Review status: no assertion criteria provided. Collection method: clinical testing. Allele origin: germline. Affected: yes. Study: VKGL Data-share Consensus. Not counted in ClinVar's aggregate classification.

Genome Diagnostics Laboratory, University Medical Center Utrecht
Classification: Likely benign. Review status: no assertion criteria provided. Collection method: clinical testing. Allele origin: germline. Affected: yes. Study: VKGL Data-share Consensus. Not counted in ClinVar's aggregate classification.

NM_001267550.2(TTN):c.41931T>C (p.Tyr13977=)

Gene: TTN (titin; minus strand). Cytogenetic location: 2q31.2.
Variant type: single nucleotide variant.
Coding change: c.41931T>C on transcript NM_001267550.2 (MANE Select); coding-DNA position 41931, T replaced by C.
Protein change: p.Tyr13977=; no amino-acid change (tyrosine 13977 retained).
Molecular consequence: synonymous variant.
Genome position (GRCh38, 1-based): chr2:178,635,258, A>G on the plus strand (T>C on the coding strand, the complement: TTN is on the minus strand). VCF-style: chr2-178635258-A-G. GRCh37 (hg19) VCF-style: chr2-179499985-A-G.
Other names: c.37008T>C, p.Tyr12336= (NM_001256850.1); c.14736T>C, p.Tyr4912= (NM_003319.4); c.34227T>C, p.Tyr11409= (NM_133378.4); c.15111T>C, p.Tyr5037= (NM_133432.3); c.15312T>C, p.Tyr5104= (NM_133437.4).
Identifiers: ClinVar variation 46950 (VCV000046950.33), dbSNP rs369128249, ClinGen allele CA139614.